The following is an entry in ClinVar:

NM_198239.2(CCN6):c.897C>A (p.Cys299Ter)

Gene: CCN6 (cellular communication network factor 6; plus strand). Cytogenetic location: 6q21.
Variant type: single nucleotide variant.
Coding change: c.897C>A on transcript NM_198239.2 (MANE Select); coding-DNA position 897, C replaced by A.
Protein change: p.Cys299Ter; replaces cysteine 299 with a stop codon.
Molecular consequence: nonsense. On other transcripts: non-coding transcript variant (2).
Genome position (GRCh38, 1-based): chr6:112,069,452, C>A. VCF-style: chr6-112069452-C-A. GRCh37 (hg19) VCF-style: chr6-112390655-C-A.
Other names: c.897C>A, p.Cys299Ter (NM_003880.4); c.897C>A (NM_003880.3); short protein forms C299*.
Identifiers: ClinVar variation 2504003 (VCV002504003.1), dbSNP rs2546930511, ClinGen allele CA365376146.
Genomic context (GRCh38, chr6:112,069,452, plus strand): 5'-ATTTGTCTTTTCTGGATGCTCAAGTACTCAGAGTTACAAACCCACTTTTTGTGGAATATG[C>A]TTGGATAAGAGATGCTGTATCCCTAATAAGTCTAAAATGATTACTATTCAATTTGATTGC-3'

ClinVar aggregate classification (germline): Likely pathogenic (1 of 4 stars; one submission).

Conditions:
Progressive pseudorheumatoid dysplasia (PPRD). Also called: Progressive Pseudorheumatoid Arthropathy of Childhood; SPONDYLOEPIPHYSEAL DYSPLASIA TARDA WITH PROGRESSIVE ARTHROPATHY. Identifiers: Orphanet 1159, MedGen C0432215, MONDO:0008827, OMIM 208230. Disease mechanism: loss of function.

Submission:

Women's Health and Genetics/Laboratory Corporation of America, LabCorp
Classification: Likely pathogenic for Progressive pseudorheumatoid dysplasia. Last evaluated: 2023-04-12. Review status: criteria provided, single submitter. Criteria: LabCorp Variant Classification Summary - May 2015. Collection method: clinical testing. Allele origin: germline.
Comment: Variant summary: CCN6 c.897C>A (p.Cys299X) results in a premature termination codon, predicted to cause a truncation of the encoded protein or absence of the protein due to nonsense mediated decay, which are commonly known mechanisms for disease. Truncations downstream of this position have been classified as pathogenic in ClinVar and associated with Pseudorheumatoid Dysplasia in HGMD. The variant was absent in 251140 control chromosomes. To our knowledge, no occurrence of c.897C>A in individuals affected with Progressive Pseudorheumatoid Dysplasia and no experimental evidence demonstrating its impact on protein function have been reported. No clinical diagnostic laboratories have submitted clinical-significance assessments for this variant to ClinVar after 2014. Based on the evidence outlined above, the variant was classified as likely pathogenic.